The following is an entry in ClinVar:

ClinVar aggregate classification (germline): Uncertain significance (1 of 4 stars; one submission).

Submission:

GeneDx
Classification: Uncertain significance. Last evaluated: 2022-08-24. Review status: criteria provided, single submitter. Criteria: GeneDx Variant Classification Process June 2021. Collection method: clinical testing. Allele origin: germline. Affected: yes.
Comment: Not observed at significant frequency in large population cohorts (gnomAD); In silico analysis supports that this missense variant does not alter protein structure/function; Has not been previously published as pathogenic or benign to our knowledge

NM_021625.5(TRPV4):c.259G>C (p.Glu87Gln)

Gene: TRPV4 (transient receptor potential cation channel subfamily V member 4; minus strand). Cytogenetic location: 12q24.11.
Variant type: single nucleotide variant.
Coding change: c.259G>C on transcript NM_021625.5 (MANE Select); coding-DNA position 259, G replaced by C.
Protein change: p.Glu87Gln; replaces glutamic acid 87 with glutamine.
Molecular consequence: missense variant.
Genome position (GRCh38, 1-based): chr12:109,814,538, C>G on the plus strand (G>C on the coding strand, the complement: TRPV4 is on the minus strand). VCF-style: chr12-109814538-C-G. GRCh37 (hg19) VCF-style: chr12-110252343-C-G.
Other names: c.259G>C, p.Glu87Gln (NM_001177428.2, NM_001177433.2, NM_147204.3); c.157G>C, p.Glu53Gln (NM_001177431.2); short protein forms E53Q, E87Q.
Identifiers: ClinVar variation 2430435 (VCV002430435.1), dbSNP rs2548803040, ClinGen allele CA386660454.